The following is an entry in ClinVar:

ClinVar aggregate classification (germline): Uncertain significance (1 of 4 stars; one submission).

Conditions:
Dilated cardiomyopathy 1G (CMD1G). Identifiers: Orphanet 154, MedGen C1858763, MONDO:0011400, OMIM 604145.
Autosomal recessive limb-girdle muscular dystrophy type 2J (LGMDR10). Also called: MUSCULAR DYSTROPHY, LIMB-GIRDLE, AUTOSOMAL RECESSIVE 10; Limb-girdle muscular dystrophy, type 2J. Identifiers: Orphanet 140922, MedGen C1837342, MONDO:0012127, OMIM 608807.

Submission:

Labcorp Genetics (formerly Invitae), Labcorp
Classification: Uncertain significance for Dilated cardiomyopathy 1G; Autosomal recessive limb-girdle muscular dystrophy type 2J. Last evaluated: 2022-05-30. Review status: criteria provided, single submitter. Criteria: Invitae Variant Classification Sherloc (09022015). Collection method: clinical testing. Allele origin: germline.
Comment: This variant is located in the M band of TTN (PMID: 25589632). Variants in this region may be relevant for neuromuscular disorders, but have not been definitively shown to cause cardiomyopathy (PMID: 23975875). In summary, the available evidence is currently insufficient to determine the role of this variant in disease. Therefore, it has been classified as a Variant of Uncertain Significance. Experimental studies and prediction algorithms are not available or were not evaluated, and the functional significance of this variant is currently unknown. This variant has not been reported in the literature in individuals affected with TTN-related conditions. This variant is not present in population databases (gnomAD no frequency). This sequence change replaces isoleucine, which is neutral and non-polar, with methionine, which is neutral and non-polar, at codon 33593 of the TTN protein (p.Ile33593Met).

Literature cited by the submitters: PubMed 25589632; PubMed 23975875.

NM_001267550.2(TTN):c.100779A>G (p.Ile33593Met)

Genes: TTN (titin; minus strand), TTN-AS1 (TTN antisense RNA 1; plus strand). Cytogenetic location: 2q31.2.
Variant type: single nucleotide variant.
Coding change: c.100779A>G on transcript NM_001267550.2 (MANE Select); coding-DNA position 100779, A replaced by G.
Protein change: p.Ile33593Met; replaces isoleucine 33593 with methionine.
Molecular consequence: missense variant.
Genome position (GRCh38, 1-based): chr2:178,535,836, T>C on the plus strand (A>G on the coding strand, the complement: TTN is on the minus strand). VCF-style: chr2-178535836-T-C. GRCh37 (hg19) VCF-style: chr2-179400563-T-C.
Other names: c.93075A>G, p.Ile31025Met (NM_133378.4); c.73959A>G, p.Ile24653Met (NM_133432.3); c.74160A>G, p.Ile24720Met (NM_133437.4); c.95856A>G, p.Ile31952Met (NM_001256850.1); c.73584A>G, p.Ile24528Met (NM_003319.4); short protein forms I24653M, I31952M, I24528M, I31025M, I33593M, I24720M.
Identifiers: ClinVar variation 2163659 (VCV002163659.4), dbSNP rs2468589364, ClinGen allele CA349424618.